The following is an entry in ClinVar:

ClinVar aggregate classification (germline): Pathogenic/Likely pathogenic. Review status: criteria provided, multiple submitters, no conflicts (2 of 4 stars). 3 submissions from 3 submitters: Pathogenic (2); Likely pathogenic (1). Last evaluated 2024-03-26.

Conditions:
Multiple endocrine neoplasia, type 1 (MEN1). Also called: MEN I; WERMER SYNDROME; Endocrine adenomatosis multiple; MEN 1; MEA I. Identifiers: Orphanet 652, MedGen C0025267, MeSH D018761, MONDO:0007540, OMIM 131100.
Hereditary cancer-predisposing syndrome. Also called: Hereditary Cancer Syndrome; Neoplastic Syndromes, Hereditary; Hereditary neoplastic syndrome; Tumor predisposition. Identifiers: Orphanet 140162, MedGen C0027672, MeSH D009386, MONDO:0015356.

Submissions (3):

Genomic Medicine Center of Excellence, King Faisal Specialist Hospital and Research Centre
Classification: Pathogenic for Multiple endocrine neoplasia, type 1. Last evaluated: 2024-03-26. Review status: criteria provided, single submitter. Criteria: ACMG Guidelines, 2015. Collection method: clinical testing. Allele origin: germline.

Labcorp Genetics (formerly Invitae), Labcorp
Classification: Pathogenic for Multiple endocrine neoplasia, type 1. Last evaluated: 2024-02-23. Review status: criteria provided, single submitter. Criteria: Invitae Variant Classification Sherloc (09022015). Collection method: clinical testing. Allele origin: germline.
Comment: This sequence change affects an acceptor splice site in intron 9 of the MEN1 gene. While this variant is not anticipated to result in nonsense mediated decay, it likely alters RNA splicing and results in a disrupted protein product. This variant is not present in population databases (gnomAD no frequency). Disruption of this splice site has been observed in individual(s) with clinical features of multiple endocrine neoplasia type 1 (PMID: 10617276, 28597079, 31658439; Invitae). ClinVar contains an entry for this variant (Variation ID: 818933). Variants that disrupt the consensus splice site are a relatively common cause of aberrant splicing (PMID: 17576681, 9536098). Algorithms developed to predict the effect of sequence changes on RNA splicing suggest that this variant may disrupt the consensus splice site. For these reasons, this variant has been classified as Pathogenic.

Ambry Genetics
Classification: Likely pathogenic for Hereditary cancer-predisposing syndrome. Last evaluated: 2019-09-05. Review status: criteria provided, single submitter. Criteria: Ambry Variant Classification Scheme 2023. Collection method: clinical testing. Allele origin: germline.
Comment: The c.1351-2A>C intronic variant results from an A to C substitution two nucleotides upstream from coding exon 9 in the MEN1 gene. This alteration (designated as 1461-2A>C) has been reported in at least one individual meeting criteria for multiple endocrine neoplasia type 1 (MEN1) (Martin-Campos J et al. Diagn. Mol. Pathol. 1999 Dec;8(4):195-204). Another alteration at this position, c.1351-2A>T, was identified in a cohort of individuals meeting criteria for MEN1 (Ellard S et al. Clin. Endocrinol. (Oxf) 2005 Feb;62(2):169-75). This nucleotide position is highly conserved in available vertebrate species. Using the BDGP and ESEfinder splice site prediction tools, this alteration is predicted to abolish the native splice acceptor site; however, direct evidence is unavailable. Alterations that disrupt the canonical splice site are expected to cause aberrant splicing, resulting in an abnormal protein or a truncated transcript. As such, this alteration is classified as likely pathogenic.

Literature cited by the submitters: PubMed 10617276 (cited by Labcorp Genetics (formerly Invitae), Labcorp); PubMed 28597079 (cited by Labcorp Genetics (formerly Invitae), Labcorp); PubMed 31658439 (cited by Labcorp Genetics (formerly Invitae), Labcorp); PubMed 17576681 (cited by Labcorp Genetics (formerly Invitae), Labcorp); PubMed 9536098 (cited by Labcorp Genetics (formerly Invitae), Labcorp).

NM_001370259.2(MEN1):c.1351-2A>C

Gene: MEN1 (menin 1; minus strand). Cytogenetic location: 11q13.1.
Variant type: single nucleotide variant.
Coding change: c.1351-2A>C on transcript NM_001370259.2 (MANE Select); the canonical splice acceptor site of the intron before coding-DNA position 1351, A replaced by C.
Molecular consequence: splice acceptor variant.
Genome position (GRCh38, 1-based): chr11:64,804,818, T>G on the plus strand (A>C on the coding strand, the complement: MEN1 is on the minus strand). VCF-style: chr11-64804818-T-G. GRCh37 (hg19) VCF-style: chr11-64572290-T-G.
Other names: c.1366-2A>C (NM_130804.3, NM_130803.3, NM_000244.4 and 4 more transcripts); c.1246-2A>C (NM_001407148.1, NM_001407149.1, NM_001370263.2 and 1 more transcripts); c.1351-2A>C (NM_130799.3, NM_001370260.2, NM_001407146.1 and 2 more transcripts); c.1477-2A>C (NM_001407144.1, NM_001370251.2, NM_001407142.1 and 1 more transcripts); c.1372-2A>C (NM_001407151.1); c.1186-2A>C (NM_001407152.1); c.1492-2A>C (NM_001407150.1).
Identifiers: ClinVar variation 818933 (VCV000818933.9), dbSNP rs1060499986, ClinGen allele CA381179956.